The following is an entry in ClinVar:

NM_058172.6(ANTXR2):c.456C>T (p.Asp152=)

Gene: ANTXR2 (ANTXR cell adhesion molecule 2; minus strand). Cytogenetic location: 4q21.21.
Variant type: single nucleotide variant.
Coding change: c.456C>T on transcript NM_058172.6 (MANE Select); coding-DNA position 456, C replaced by T.
Protein change: p.Asp152=; no amino-acid change (aspartic acid 152 retained).
Molecular consequence: synonymous variant.
Genome position (GRCh38, 1-based): chr4:80,055,390, G>A on the plus strand (C>T on the coding strand, the complement: ANTXR2 is on the minus strand). VCF-style: chr4-80055390-G-A. GRCh37 (hg19) VCF-style: chr4-80976544-G-A.
Other names: c.456C>T, p.Asp152= (NM_001145794.2); c.225C>T, p.Asp75= (NM_001286780.2, NM_001286781.2).
Identifiers: ClinVar variation 3038554 (VCV003038554.5), dbSNP rs758556230, ClinGen allele CA2981952.
Genomic context (GRCh38, chr4:80,055,390, plus strand): 5'-TGTAGAGAACAGTCTCAGTTCAATACTCACCTCTTTCTCTGCATATGATGGCACCAGACC[G>A]TCCAACTTGCCATCTGTCAGAGCAATTATGATACTGGAGGTTTTCAAGCCTCCTGCTTTC-3'
Protein context (NP_477520.2, residues 142-162): IIIALTDGKL[Asp152=]GLVPSYAEKE

ClinVar aggregate classification (germline): Likely benign. Review status: criteria provided, multiple submitters, no conflicts (2 of 4 stars). 4 submissions from 4 submitters: Likely benign (3). 1 of the submissions does not count toward it. Last evaluated 2026-01-18.

Conditions:
ANTXR2-related disorder. Also called: ANTXR2-related condition.

Allele frequency attached by ClinVar (database versions not stated): ExAC 0.00002; gnomAD 0.00003; gnomAD exomes 0.00004; TOPMed 0.00008.

Submissions (4):

Labcorp Genetics (formerly Invitae), Labcorp
Classification: Likely benign. Last evaluated: 2026-01-18. Review status: criteria provided, single submitter. Criteria: Invitae Variant Classification Sherloc (09022015). Collection method: clinical testing. Allele origin: germline.

Blueprint Genetics
Classification: Likely benign. Last evaluated: 2021-12-24. Review status: criteria provided, single submitter. Criteria: ACMG Guidelines, 2015. Collection method: clinical testing. Allele origin: germline.

Breakthrough Genomics
Classification: Likely benign. Review status: criteria provided, single submitter. Criteria: ACMG Guidelines, 2015. Collection method: not provided. Allele origin: germline. Inheritance: Autosomal recessive inheritance. Affected: yes.

PreventionGenetics, part of Exact Sciences
Classification: Likely benign for ANTXR2-related condition. Last evaluated: 2019-05-23. Review status: no assertion criteria provided. Collection method: clinical testing. Allele origin: germline. Not counted in ClinVar's aggregate classification.
Comment: This variant is classified as likely benign based on ACMG/AMP sequence variant interpretation guidelines (Richards et al. 2015 PMID: 25741868, with internal and published modifications).